The following is an entry in ClinVar:

ClinVar aggregate classification (germline): Likely pathogenic. Review status: criteria provided, multiple submitters, no conflicts (2 of 4 stars). 2 submissions from 2 submitters: Likely pathogenic (2). Last evaluated 2025-05-26.

Conditions:
Neurodevelopmental disorder with regression, abnormal movements, loss of speech, and seizures. Identifiers: Orphanet 597623, MedGen C4748127, MONDO:0060759, OMIM 618088.

Submissions (2):

3billion
Classification: Likely pathogenic for Neurodevelopmental disorder with regression, abnormal movements, loss of speech, and seizures. Last evaluated: 2025-05-26. Review status: criteria provided, single submitter. Criteria: ACMG Guidelines, 2015. Collection method: clinical testing. Allele origin: germline. Affected: yes.
Comment: The variant is not observed in the gnomAD v4.1.0 dataset. Predicted Consequence/Location: Frameshift: predicted to result in a loss or disruption of normal protein function through protein truncation. The predicted truncated protein may be shortened by more than 10% and a dominant negative effect has been reported near truncated region. The variant has been reported to be associated with IRF2BPL-related disorder (ClinVar ID: VCV001329661). Therefore, this variant is classified as Likely pathogenic according to the recommendation of ACMG/AMP guideline.

GeneDx
Classification: Likely pathogenic. Last evaluated: 2021-06-23. Review status: criteria provided, single submitter. Criteria: GeneDx Variant Classification Process June 2021. Collection method: clinical testing. Allele origin: germline. Affected: yes.
Comment: Frameshift variant predicted to result in protein truncation, as the last 696 amino acids are replaced with 17 different amino acids, and other loss-of-function variants have been reported downstream in the Human Gene Mutation Database (Stenson et al., 2014); Not observed at significant frequency in large population cohorts (Lek et al., 2016); Has not been previously published as pathogenic or benign to our knowledge; This variant is associated with the following publications: (PMID: 24077912, 27535533)

NM_024496.4(IRF2BPL):c.285_325del (p.Ala101fs)

Genes: IRF2BPL (interferon regulatory factor 2 binding protein like; minus strand), LOC107984638 (uncharacterized LOC107984638; plus strand). Cytogenetic location: 14q24.3.
Variant type: Deletion.
Coding change: c.285_325del on transcript NM_024496.4 (MANE Select); coding-DNA positions 285 to 325, 41 bases deleted.
Protein change: p.Ala101fs; shifts the reading frame from alanine 101.
Molecular consequence: frameshift variant.
Genome position (GRCh38, 1-based): chr14:77,027,468-77,027,508, 41 bases deleted; deleting any 41 consecutive bases within chr14:77,027,468-77,027,512 gives the same sequence; the c. name uses the placement nearest the transcript's 3' end. GRCh37 (hg19): chr14:77,493,815-77,493,855.
Other names: short protein forms A101fs.
Identifiers: ClinVar variation 1329661 (VCV001329661.3), dbSNP rs2139976767, ClinGen allele CA2573053944.
Genomic context (GRCh38, chr14:77,027,467, plus strand): 5'-TTGAGCTGTTGTTGCTGCTGCTGCTGCTGCTGCTGCTGCTGCTGTTGCTGCTGCTGCTGC[TGCTGTTGCTGTTGCTGTTGCGCGGCGGCGGCGGCGGCCGCC>T]GCTGCTGCCGCCGCCGCCGCCGCTTCCTTAGCCGACAGGGCCACTGTCTTGACCCCGACG-3'